The following is an entry in ClinVar:

NM_000352.6(ABCC8):c.4353G>A (p.Trp1451Ter)

Gene: ABCC8 (ATP binding cassette subfamily C member 8; minus strand). Cytogenetic location: 11p15.1.
Variant type: single nucleotide variant.
Coding change: c.4353G>A on transcript NM_000352.6 (MANE Select); coding-DNA position 4353, G replaced by A.
Protein change: p.Trp1451Ter; replaces tryptophan 1451 with a stop codon.
Molecular consequence: nonsense. On other transcripts: non-coding transcript variant (1).
Genome position (GRCh38, 1-based): chr11:17,395,230, C>T on the plus strand (G>A on the coding strand, the complement: ABCC8 is on the minus strand). VCF-style: chr11-17395230-C-T. GRCh37 (hg19) VCF-style: chr11-17416777-C-T.
Other names: c.4356G>A, p.Trp1452Ter (NM_001287174.3); c.4419G>A, p.Trp1473Ter (NM_001351295.2); c.4353G>A, p.Trp1451Ter (NM_001351296.2); c.4350G>A, p.Trp1450Ter (NM_001351297.2); short protein forms W1451*, W1452*, W1473*, W1450*.
Identifiers: ClinVar variation 370329 (VCV000370329.17), dbSNP rs1057516404, ClinGen allele CA16041435.

ClinVar aggregate classification (germline): Conflicting classifications of pathogenicity. Review status: criteria provided, conflicting classifications (1 of 4 stars). 6 submissions from 5 submitters: Pathogenic (2); Likely pathogenic (1); Uncertain risk allele (2). 1 of the submissions does not count toward it. Last evaluated 2024-05-27.

Conditions:
Maturity-onset diabetes of the young (MODY). Also called: Maturity onset diabetes mellitus in young. Identifiers: Orphanet 552, MedGen C0342276, MONDO:0018911, HP:0004904.
Hyperinsulinemic hypoglycemia, familial, 1 (HHF1). Also called: HYPERINSULINISM, FAMILIAL, WITH PANCREATIC NESIDIOBLASTOSIS; HYPOGLYCEMIA, HYPERINSULINEMIC, OF INFANCY; NESIDIOBLASTOSIS OF PANCREAS; Persistent hyperinsulinemic hypoglycemia of infancy; Persistent Hyperinsulinemia Hypoglycemia of Infancy. Identifiers: Orphanet 276575, Orphanet 276598, MedGen C2931832, MONDO:0009734, OMIM 256450.
Neonatal diabetes mellitus (NDM). Identifiers: Orphanet 224, MedGen C0158981, MONDO:0016391.
Type 2 diabetes mellitus. Also called: Type II diabetes mellitus. Identifiers: MedGen C0011860, MeSH D003924, MONDO:0005148, OMIM 125853, HP:0005978.

Allele frequency attached by ClinVar (database versions not stated): TOPMed below 0.00001.

Submissions (6):

Clinical Genomics, Uppaluri K&H Personalized Medicine Clinic
Classification: Uncertain risk allele for Maturity-onset diabetes of the young. Last evaluated: 2024-05-27. Review status: criteria provided, single submitter. Criteria: K And H Uppaluri Personalized Medicine Clinic Variant Classification And Assertion Criteria Updated V 2. Collection method: research. Allele origin: unknown.
Comment: This variant is found to be a potent moderate impact variant with a CADD score of 44 and sufficient scientific evidence of gene-disease correlation. However, since this is not a high impact variant and no sufficient variant evidence is found, this variant is classified as Uncertain Risk Allele only.

Clinical Genomics, Uppaluri K&H Personalized Medicine Clinic
Classification: Uncertain risk allele for Neonatal diabetes mellitus. Last evaluated: 2024-05-27. Review status: criteria provided, single submitter. Criteria: K And H Uppaluri Personalized Medicine Clinic Variant Classification And Assertion Criteria Updated V 2. Collection method: research. Allele origin: unknown.
Comment: the same text as in the submission from Clinical Genomics, Uppaluri K&H Personalized Medicine Clinic above.

Baylor Genetics
Classification: Likely pathogenic for Type 2 diabetes mellitus. Last evaluated: 2024-02-14. Review status: criteria provided, single submitter. Criteria: ACMG Guidelines, 2015. Collection method: clinical testing. Allele origin: unknown.

Genetic Services Laboratory, University of Chicago
Classification: Pathogenic. Last evaluated: 2021-09-23. Review status: criteria provided, single submitter. Criteria: ACMG Guidelines, 2015. Collection method: clinical testing. Allele origin: germline. Affected: yes.

Labcorp Genetics (formerly Invitae), Labcorp
Classification: Pathogenic. Last evaluated: 2020-12-20. Review status: criteria provided, single submitter. Criteria: Invitae Variant Classification Sherloc (09022015). Collection method: clinical testing. Allele origin: germline.
Comment: This variant is not present in population databases (ExAC no frequency). This sequence change creates a premature translational stop signal (p.Trp1451*) in the ABCC8 gene. It is expected to result in an absent or disrupted protein product. Loss-of-function variants in ABCC8 are known to be pathogenic (PMID: 20685672, 23345197). This variant has not been reported in the literature in individuals with ABCC8-related conditions. ClinVar contains an entry for this variant (Variation ID: 370329). For these reasons, this variant has been classified as Pathogenic.

Counsyl
Classification: Likely pathogenic for Hyperinsulinemic hypoglycemia, familial, 1. Last evaluated: 2016-01-12. Review status: no assertion criteria provided. Collection method: clinical testing. Allele origin: unknown. Not counted in ClinVar's aggregate classification.

Literature cited by the submitters: PubMed 31216263 (cited by Clinical Genomics, Uppaluri K&H Personalized Medicine Clinic); PubMed 38095268 (cited by Clinical Genomics, Uppaluri K&H Personalized Medicine Clinic); PubMed 38513803 (cited by Clinical Genomics, Uppaluri K&H Personalized Medicine Clinic); PubMed 32376986 (cited by Clinical Genomics, Uppaluri K&H Personalized Medicine Clinic); PubMed 20922570 (cited by Clinical Genomics, Uppaluri K&H Personalized Medicine Clinic); PubMed 17389331 (cited by Clinical Genomics, Uppaluri K&H Personalized Medicine Clinic); PubMed 17919176 (cited by Clinical Genomics, Uppaluri K&H Personalized Medicine Clinic); PubMed 21738553 (cited by Clinical Genomics, Uppaluri K&H Personalized Medicine Clinic); PubMed 33013711 (cited by Clinical Genomics, Uppaluri K&H Personalized Medicine Clinic); PubMed 20685672 (cited by Labcorp Genetics (formerly Invitae), Labcorp); PubMed 23345197 (cited by Labcorp Genetics (formerly Invitae), Labcorp).